The following is an entry in ClinVar:

NM_174936.4(PCSK9):c.674G>C (p.Ser225Thr)

Gene: PCSK9 (proprotein convertase subtilisin/kexin type 9; plus strand). Cytogenetic location: 1p32.3.
Variant type: single nucleotide variant.
Coding change: c.674G>C on transcript NM_174936.4 (MANE Select); coding-DNA position 674, G replaced by C.
Protein change: p.Ser225Thr; replaces serine 225 with threonine.
Molecular consequence: missense variant. On other transcripts: non-coding transcript variant (8).
Genome position (GRCh38, 1-based): chr1:55,052,666, G>C. VCF-style: chr1-55052666-G-C. GRCh37 (hg19) VCF-style: chr1-55518339-G-C.
Other names: c.797G>C, p.Ser266Thr (NM_001407240.1); c.674G>C, p.Ser225Thr (NM_001407241.1, NM_001407244.1, NM_001407247.1); c.677G>C, p.Ser226Thr (NM_001407242.1); c.617G>C, p.Ser206Thr (NM_001407243.1); c.482G>C, p.Ser161Thr (NM_001407245.1); c.299G>C, p.Ser100Thr (NM_001407246.1); short protein forms S100T, S161T, S206T, S225T, S226T, S266T.
Identifiers: ClinVar variation 3071528 (VCV003071528.1), dbSNP rs774478819, ClinGen allele CA340473804.
Genomic context (GRCh38, chr1:55,052,666, plus strand): 5'-GGAGGGGGGGTCTTTCTCATGTGGTCCTTGTGTTCGTCGAGCAGGCCAGCAAGTGTGACA[G>C]TCATGGCACCCACCTGGCAGGGGTGGTCAGCGGCCGGGATGCCGGCGTGGCCAAGGGTGC-3'
Protein context (NP_777596.2, residues 215-235): RFHRQASKCD[Ser225Thr]HGTHLAGVVS

ClinVar aggregate classification (germline): Uncertain significance (1 of 4 stars; one submission).

Conditions:
Hypercholesterolemia, autosomal dominant, 3 (FHCL3). Also called: Familial Hypercholesterolemia, Autosomal Dominant, 3; PCSK9-Related Familial Hypercholesterolemia, Autosomal Dominant; Familial hypercholesterolemia 3. Identifiers: MedGen C1863551, MONDO:0011369, OMIM 603776.

gnomAD v4.1: 1 of 1,613,196 alleles (0.000062%); highest among the groups gnomAD compares: South Asian, 0.0011%; no homozygotes.

Submission:

All of Us Research Program, National Institutes of Health
Classification: Uncertain significance for Hypercholesterolemia, autosomal dominant, 3. Last evaluated: 2023-11-20. Review status: criteria provided, single submitter. Criteria: ACMG Guidelines, 2015. Collection method: clinical testing. Allele origin: germline. Inheritance: Autosomal dominant inheritance. Observed: 2 variant alleles, 2 heterozygotes.
Comment: This missense variant replaces serine with threonine at codon 225 of the PCSK9 protein. Computational prediction suggests that this variant may not impact protein structure and function (internally defined REVEL score threshold <= 0.5, PMID: 27666373). To our knowledge, functional studies have not been reported for this variant. This variant has not been reported in individuals affected with PCSK9-related disorders in the literature. This variant has not been identified in the general population by the Genome Aggregation Database (gnomAD). The available evidence is insufficient to determine the role of this variant in disease conclusively. Therefore, this variant is classified as a Variant of Uncertain Significance.

This study involves interpretation of variants in research participants for the purpose of population health screening. Participant phenotype was not available at the time of variant classification. Additional details can be found in publication PMID: 35346344, PMCID: PMC8962531